The following is an entry in ClinVar:

NM_004655.4(AXIN2):c.2012del (p.Arg671fs)

Gene: AXIN2 (axin 2; minus strand). Cytogenetic location: 17q24.1.
Variant type: Deletion.
Coding change: c.2012del on transcript NM_004655.4 (MANE Select); coding-DNA position 2012, one base deleted (G; older notation c.2012delG).
Protein change: p.Arg671fs; shifts the reading frame from arginine 671.
Molecular consequence: frameshift variant.
Genome position (GRCh38, 1-based): chr17:65,536,449, C deleted on the plus strand (G on the coding strand, the reverse complement: AXIN2 is on the minus strand). VCF-style (leftmost placement, unchanged base first): chr17-65536448-GC-G. GRCh37 (hg19) VCF-style: chr17-63532566-GC-G.
Other names: c.1817del, p.Arg606fs (NM_001363813.1); short protein forms R606fs, R671fs.
Identifiers: ClinVar variation 2583512 (VCV002583512.2), dbSNP rs2509402361, ClinGen allele CA2582342297.
Genomic context (GRCh38, chr17:65,536,448, plus strand): 5'-GGGTGGGGTCAGGGGAGGCATCGCAGGGTCCTGGGTGAACAGGTGGGCACGGGGGGTGGT[GC>G]GGGGGTGCCCGCTGTTGCCCCCCCACAGATGGTGCCGGCTGGCTCGTTCGCCTGGAGACG-3'

ClinVar aggregate classification (germline): Pathogenic (1 of 4 stars; one submission).

Conditions:
Oligodontia-cancer predisposition syndrome. Also called: TOOTH AGENESIS-COLORECTAL CANCER SYNDROME. Identifiers: Orphanet 300576, MedGen C1837750, MONDO:0012075, OMIM 608615. Disease mechanism: loss of function.

Submission:

Myriad Genetics, Inc.
Classification: Pathogenic for Oligodontia-cancer predisposition syndrome. Last evaluated: 2023-05-12. Review status: criteria provided, single submitter. Criteria: Myriad Autosomal Dominant, Autosomal Recessive and X-Linked Classification Criteria (2023). Collection method: clinical testing. Allele origin: unknown.
Comment: This variant is considered pathogenic. This variant creates a frameshift predicted to result in premature protein truncation.